The following is an entry in ClinVar:

Allele frequency attached by ClinVar (database versions not stated): ESP Exome Variant Server 0.00009.

Submission:

Hospital for Sick Children
No classification provided (evidence only). Review status: no classification provided. Collection method: in vitro. Allele origin: not applicable. Functional consequence: no known functional consequence.
ClinVar note: "not provided" was previously submitted as the classification for the variant. However, the classification appeared to be based only on an observation of functional data so it was converted to no classification on 2025-07-30.

Literature cited by the submitters: PubMed 27233232.

NM_001482.3(GATM):c.68G>A (p.Arg23Gln)

Genes: GATM (glycine amidinotransferase; minus strand), LOC130056991 (ATAC-STARR-seq lymphoblastoid silent region 6406; plus strand). Cytogenetic location: 15q21.1.
Variant type: single nucleotide variant.
Coding change: c.68G>A on transcript NM_001482.3 (MANE Select); coding-DNA position 68, G replaced by A.
Protein change: p.Arg23Gln; replaces arginine 23 with glutamine.
Molecular consequence: missense variant. On other transcripts: intron variant (1).
Genome position (GRCh38, 1-based): chr15:45,378,386, C>T on the plus strand (G>A on the coding strand, the complement: GATM is on the minus strand). VCF-style: chr15-45378386-C-T. GRCh37 (hg19) VCF-style: chr15-45670584-C-T.
Other names: c.-318-1567G>A (NM_001321015.2); short protein forms R23Q.
Identifiers: ClinVar variation 225911 (VCV000225911.2), dbSNP rs370155767, ClinGen allele CA270174340.